The following is an entry in ClinVar:

NC_000022.11:g.40345987C>A

Gene: ADSL (adenylosuccinate lyase; plus strand). Cytogenetic location: 22q13.1.
Variant type: single nucleotide variant.
Genome position: GRCh38 VCF-style: chr22-40345987-C-A. GRCh37 (hg19) VCF-style: chr22-40741991-C-A.
Identifiers: ClinVar variation 2095229 (VCV002095229.5), dbSNP rs1048164941, ClinGen allele CA2580099830.

ClinVar aggregate classification (germline): Uncertain significance (1 of 4 stars; one submission).

Conditions:
Adenylosuccinate lyase deficiency (ADSLD). Also called: ADSL DEFICIENCY. Identifiers: Orphanet 46, MedGen C0268126, MONDO:0007068, OMIM 103050.

Submission:

Labcorp Genetics (formerly Invitae), Labcorp
Classification: Uncertain significance for Adenylosuccinate lyase deficiency. Last evaluated: 2023-10-13. Review status: criteria provided, single submitter. Criteria: Invitae Variant Classification Sherloc (09022015). Collection method: clinical testing. Allele origin: germline.
Comment: This variant occurs in a non-coding region of the ADSL gene. It does not change the encoded amino acid sequence of the ADSL protein. This variant is not present in population databases (gnomAD no frequency). This variant has not been reported in the literature in individuals affected with ADSL-related conditions. In summary, the available evidence is currently insufficient to determine the role of this variant in disease. Therefore, it has been classified as a Variant of Uncertain Significance.